The following is an entry in ClinVar:

NM_006885.4(ZFHX3):c.6367C>T (p.Pro2123Ser)

Genes: ZFHX3 (zinc finger homeobox 3; minus strand), ZFHX3-AS1 (ZFHX3 antisense RNA 1; plus strand). Cytogenetic location: 16q22.2.
Variant type: single nucleotide variant.
Coding change: c.6367C>T on transcript NM_006885.4 (MANE Select); coding-DNA position 6367, C replaced by T.
Protein change: p.Pro2123Ser; replaces proline 2123 with serine.
Molecular consequence: missense variant.
Genome position (GRCh38, 1-based): chr16:72,796,315, G>A on the plus strand (C>T on the coding strand, the complement: ZFHX3 is on the minus strand). VCF-style: chr16-72796315-G-A. GRCh37 (hg19) VCF-style: chr16-72830214-G-A.
Other names: c.3625C>T, p.Pro1209Ser (NM_001164766.2); c.6367C>T, p.Pro2123Ser (NM_001386735.1); short protein forms P1209S, P2123S.
Identifiers: ClinVar variation 3900065 (VCV003900065.1).

ClinVar aggregate classification (germline): Uncertain significance (1 of 4 stars; one submission).

Submission:

GeneDx
Classification: Uncertain significance. Last evaluated: 2024-11-21. Review status: criteria provided, single submitter. Criteria: GeneDx Variant Classification Process June 2021. Collection method: clinical testing. Allele origin: germline. Affected: yes.
Comment: Not observed at significant frequency in large population cohorts (gnomAD); In silico analysis indicates that this missense variant does not alter protein structure/function; Has not been previously published as pathogenic or benign to our knowledge